The following is an entry in ClinVar:

NM_006767.4(LZTR1):c.38C>G (p.Ala13Gly)

Genes: LZTR1 (leucine zipper like post translational regulator 1; plus strand), LOC130067016 (ATAC-STARR-seq lymphoblastoid silent region 13504; plus strand). Cytogenetic location: 22q11.21.
Variant type: single nucleotide variant.
Coding change: c.38C>G on transcript NM_006767.4 (MANE Select); coding-DNA position 38, C replaced by G.
Protein change: p.Ala13Gly; replaces alanine 13 with glycine.
Molecular consequence: missense variant.
Genome position (GRCh38, 1-based): chr22:20,982,409, C>G. VCF-style: chr22-20982409-C-G. GRCh37 (hg19) VCF-style: chr22-21336698-C-G.
Other names: short protein forms A13G.
Identifiers: ClinVar variation 3637746 (VCV003637746.2).

ClinVar aggregate classification (germline): Uncertain significance (1 of 4 stars; one submission).

Submission:

Labcorp Genetics (formerly Invitae), Labcorp
Classification: Uncertain significance. Last evaluated: 2024-07-23. Review status: criteria provided, single submitter. Criteria: Invitae Variant Classification Sherloc (09022015). Collection method: clinical testing. Allele origin: germline.
Comment: This sequence change replaces alanine, which is neutral and non-polar, with glycine, which is neutral and non-polar, at codon 13 of the LZTR1 protein (p.Ala13Gly). This variant is not present in population databases (gnomAD no frequency). This variant has not been reported in the literature in individuals affected with LZTR1-related conditions. Advanced modeling of protein sequence and biophysical properties (such as structural, functional, and spatial information, amino acid conservation, physicochemical variation, residue mobility, and thermodynamic stability) performed at Invitae indicates that this missense variant is not expected to disrupt LZTR1 protein function with a negative predictive value of 95%. In summary, the available evidence is currently insufficient to determine the role of this variant in disease. Therefore, it has been classified as a Variant of Uncertain Significance.